The following is an entry in ClinVar:

NM_000083.3(CLCN1):c.1363A>T (p.Asn455Tyr)

Gene: CLCN1 (chloride voltage-gated channel 1; plus strand). Cytogenetic location: 7q34.
Variant type: single nucleotide variant.
Coding change: c.1363A>T on transcript NM_000083.3 (MANE Select); coding-DNA position 1363, A replaced by T.
Protein change: p.Asn455Tyr; replaces asparagine 455 with tyrosine.
Molecular consequence: missense variant.
Genome position (GRCh38, 1-based): chr7:143,332,835, A>T. VCF-style: chr7-143332835-A-T. GRCh37 (hg19) VCF-style: chr7-143029928-A-T.
Other names: short protein forms N455Y.
Identifiers: ClinVar variation 2581417 (VCV002581417.2), dbSNP rs2487065128, ClinGen allele CA369644287.

ClinVar aggregate classification (germline): Uncertain significance. Review status: criteria provided, multiple submitters, no conflicts (2 of 4 stars). 2 submissions from 2 submitters: Uncertain significance (2). Last evaluated 2024-12-19.

Submissions (2):

GeneDx
Classification: Uncertain significance. Last evaluated: 2024-12-19. Review status: criteria provided, single submitter. Criteria: GeneDx Variant Classification Process June 2021. Collection method: clinical testing. Allele origin: germline. Affected: yes.
Comment: Reported with two other CLCN1 variants in a patient with Becker disease in published literature; however, no segregation information was provided (PMID: 24349310); Not observed at significant frequency in large population cohorts (gnomAD); In silico analysis supports that this missense variant has a deleterious effect on protein structure/function; This variant is associated with the following publications: (PMID: 24349310)

Women's Health and Genetics/Laboratory Corporation of America, LabCorp
Classification: Uncertain significance. Last evaluated: 2023-08-29. Review status: criteria provided, single submitter. Criteria: LabCorp Variant Classification Summary - May 2015. Collection method: clinical testing. Allele origin: germline.
Comment: Variant summary: CLCN1 c.1363A>T (p.Asn455Tyr) results in a non-conservative amino acid change in the encoded protein sequence. Five of five in-silico tools predict a damaging effect of the variant on protein function. The variant was absent in 251444 control chromosomes. The available data on variant occurrences in the general population are insufficient to allow any conclusion about variant significance. c.1363A>T has been reported in the literature in one individual affected with Myotonia congenita, where it was also found with two other variants: c.1401+3A>T, and c.2680C>T; p.Arg894* (e.g. Skalova_2013). Because of the ambiguity in the phase of all three of these variants, this report does not provide unequivocal conclusions about association of the variant with Myotonia congenita. To our knowledge, no experimental evidence demonstrating an impact on protein function has been reported. The following publication has been ascertained in the context of this evaluation (PMID: 24349310). No submitters have cited clinical-significance assessments for this variant to ClinVar after 2014. Based on the evidence outlined above, the variant was classified as uncertain significance.

Literature cited by the submitters: PubMed 24349310 (cited by Women's Health and Genetics/Laboratory Corporation of America, LabCorp).